The following is an entry in ClinVar:

NM_001042432.2(CLN3):c.1057-2A>G

Gene: CLN3 (CLN3 lysosomal/endosomal transmembrane protein, battenin; minus strand). Cytogenetic location: 16p12.1.
Variant type: single nucleotide variant.
Coding change: c.1057-2A>G on transcript NM_001042432.2 (MANE Select); the canonical splice acceptor site of the intron before coding-DNA position 1057, A replaced by G.
Molecular consequence: splice acceptor variant.
Genome position (GRCh38, 1-based): chr16:28,477,879, T>C on the plus strand (A>G on the coding strand, the complement: CLN3 is on the minus strand). VCF-style: chr16-28477879-T-C. GRCh37 (hg19) VCF-style: chr16-28489200-T-C.
Other names: c.823-2A>G (NM_001286109.2); c.985-2A>G (NM_001286104.2); c.757-2A>G (NM_001286105.2); c.895-2A>G (NM_001286110.2); c.1057-2A>G (NM_000086.2).
Identifiers: ClinVar variation 1067908 (VCV001067908.7), dbSNP rs1218568487, ClinGen allele CA395343200.

ClinVar aggregate classification (germline): Likely pathogenic (1 of 4 stars; one submission).

Conditions:
Neuronal ceroid lipofuscinosis. Also called: Neuronal Ceroid Lipofuscinoses. Identifiers: Orphanet 216, Orphanet 79263, MedGen C0027877, MONDO:0016295. Disease mechanism: loss of function.

Allele frequency attached by ClinVar (database versions not stated): gnomAD exomes below 0.00001.

Submission:

Labcorp Genetics (formerly Invitae), Labcorp
Classification: Likely pathogenic for Neuronal ceroid lipofuscinosis. Last evaluated: 2022-06-13. Review status: criteria provided, single submitter. Criteria: Invitae Variant Classification Sherloc (09022015). Collection method: clinical testing. Allele origin: germline.
Comment: This variant has not been reported in the literature in individuals affected with CLN3-related conditions. The frequency data for this variant in the population databases is considered unreliable, as metrics indicate poor data quality at this position in the gnomAD database. This sequence change affects an acceptor splice site in intron 14 of the CLN3 gene. It is expected to disrupt RNA splicing. Variants that disrupt the donor or acceptor splice site typically lead to a loss of protein function (PMID: 16199547), and loss-of-function variants in CLN3 are known to be pathogenic (PMID: 9311735, 28542676). ClinVar contains an entry for this variant (Variation ID: 1067908). In summary, the currently available evidence indicates that the variant is pathogenic, but additional data are needed to prove that conclusively. Therefore, this variant has been classified as Likely Pathogenic. Algorithms developed to predict the effect of sequence changes on RNA splicing suggest that this variant may disrupt the consensus splice site.

Literature cited by the submitters: PubMed 16199547; PubMed 9311735; PubMed 28542676.